The following is an entry in ClinVar:

ClinVar aggregate classification (germline): Uncertain significance (1 of 4 stars; one submission).

Submission:

CeGaT Center for Human Genetics Tuebingen
Classification: Uncertain significance. Last evaluated: 2025-11-01. Review status: criteria provided, single submitter. Criteria: CeGaT Center For Human Genetics Tuebingen Variant Classification Criteria Version 2. Collection method: clinical testing. Allele origin: germline. Affected: yes. Observed: 1 variant allele.
Comment: ZSWIM6: PM2

NM_020928.2(ZSWIM6):c.58_59insACG (p.Gly19_Gly20insAsp)

Gene: ZSWIM6 (zinc finger SWIM-type containing 6; plus strand). Cytogenetic location: 5q12.1.
Variant type: Insertion.
Coding change: c.58_59insACG on transcript NM_020928.2 (MANE Select); coding-DNA positions 58 to 59, ACG inserted.
Protein change: p.Gly19_Gly20insAsp.
Molecular consequence: inframe insertion.
Genome position: GRCh38 VCF-style: chr5-61332328-G-GCGA. GRCh37 (hg19) VCF-style: chr5-60628155-G-GCGA.
Identifiers: ClinVar variation 4535241 (VCV004535241.6).